The following is an entry in ClinVar:

NM_012414.4(RAB3GAP2):c.1891G>A (p.Gly631Arg)

Gene: RAB3GAP2 (RAB3 GTPase activating non-catalytic protein subunit 2; minus strand). Cytogenetic location: 1q41.
Variant type: single nucleotide variant.
Coding change: c.1891G>A on transcript NM_012414.4 (MANE Select); coding-DNA position 1891, G replaced by A.
Protein change: p.Gly631Arg; replaces glycine 631 with arginine.
Molecular consequence: missense variant.
Genome position (GRCh38, 1-based): chr1:220,184,143, C>T on the plus strand (G>A on the coding strand, the complement: RAB3GAP2 is on the minus strand). VCF-style: chr1-220184143-C-T. GRCh37 (hg19) VCF-style: chr1-220357485-C-T.
Other names: short protein forms G631R.
Identifiers: ClinVar variation 295656 (VCV000295656.11), dbSNP rs761157075, ClinGen allele CA1402555.

ClinVar aggregate classification (germline): Uncertain significance. Review status: criteria provided, multiple submitters, no conflicts (2 of 4 stars). 4 submissions from 3 submitters: Uncertain significance (4). Last evaluated 2025-08-24.

Conditions:
Warburg micro syndrome 2 (WARBM2). Also called: MICRO SYNDROME 2. Identifiers: Orphanet 2510, MedGen C3280214, MONDO:0013641, OMIM 614225.
Martsolf syndrome (MARTS). Also called: Congenital cataract with intellectual disability and hypogonadotropic hypogonadism syndrome. Identifiers: Orphanet 1387, MedGen C0796037, MONDO:0023910.
Inborn genetic diseases. Identifiers: MedGen C0950123, MeSH D030342.

Allele frequency attached by ClinVar (database versions not stated): gnomAD 0.00001; TOPMed 0.00001; gnomAD exomes 0.00002; ExAC 0.00003.
gnomAD v4.1: 41 of 1,610,766 alleles (0.0025%); highest among the groups gnomAD compares: Non-Finnish European, 0.003%; no homozygotes.

Submissions (4):

Ambry Genetics
Classification: Uncertain significance for Inborn genetic diseases. Last evaluated: 2025-08-24. Review status: criteria provided, single submitter. Criteria: Ambry Variant Classification Scheme 2023. Collection method: clinical testing. Allele origin: germline.

Labcorp Genetics (formerly Invitae), Labcorp
Classification: Uncertain significance for Martsolf syndrome; Warburg micro syndrome 2. Last evaluated: 2021-08-13. Review status: criteria provided, single submitter. Criteria: Invitae Variant Classification Sherloc (09022015). Collection method: clinical testing. Allele origin: germline.
Comment: This sequence change replaces glycine with arginine at codon 631 of the RAB3GAP2 protein (p.Gly631Arg). The glycine residue is moderately conserved and there is a moderate physicochemical difference between glycine and arginine. This variant is present in population databases (rs761157075, ExAC 0.006%). This variant has not been reported in the literature in individuals affected with RAB3GAP2-related conditions. ClinVar contains an entry for this variant (Variation ID: 295656). Algorithms developed to predict the effect of missense changes on protein structure and function (SIFT, PolyPhen-2, Align-GVGD) all suggest that this variant is likely to be tolerated. In summary, the available evidence is currently insufficient to determine the role of this variant in disease. Therefore, it has been classified as a Variant of Uncertain Significance.

Illumina Laboratory Services, Illumina
Classification: Uncertain significance for Martsolf syndrome 1. Last evaluated: 2018-01-13. Review status: criteria provided, single submitter. Criteria: ICSL Variant Classification Criteria 13 December 2019. Collection method: clinical testing. Allele origin: germline.

Illumina Laboratory Services, Illumina
Classification: Uncertain significance for Warburg micro syndrome 2. Last evaluated: 2018-01-13. Review status: criteria provided, single submitter. Criteria: ICSL Variant Classification Criteria 13 December 2019. Collection method: clinical testing. Allele origin: germline.